The following is an entry in ClinVar:

ClinVar aggregate classification (germline): Uncertain significance (1 of 4 stars; one submission).

Conditions:
Cardiovascular phenotype. Identifiers: MedGen CN230736.

Submission:

Ambry Genetics
Classification: Uncertain significance for Cardiovascular phenotype. Last evaluated: 2025-01-04. Review status: criteria provided, single submitter. Criteria: Ambry Variant Classification Scheme 2023. Collection method: clinical testing. Allele origin: germline.
Comment: The p.S3863C variant (also known as c.11588C>G), located in coding exon 17 of the ALMS1 gene, results from a C to G substitution at nucleotide position 11588. The serine at codon 3863 is replaced by cysteine, an amino acid with dissimilar properties. This amino acid position is highly conserved in available vertebrate species. In addition, this alteration is predicted to be tolerated by in silico analysis. Based on the available evidence, the clinical significance of this variant remains unclear.

NM_001378454.1(ALMS1):c.11585C>G (p.Ser3862Cys)

Gene: ALMS1 (ALMS1 centrosome and basal body associated protein; plus strand). Cytogenetic location: 2p13.1.
Variant type: single nucleotide variant.
Coding change: c.11585C>G on transcript NM_001378454.1 (MANE Select); coding-DNA position 11585, C replaced by G.
Protein change: p.Ser3862Cys; replaces serine 3862 with cysteine.
Molecular consequence: missense variant.
Genome position (GRCh38, 1-based): chr2:73,599,438, C>G. VCF-style: chr2-73599438-C-G. GRCh37 (hg19) VCF-style: chr2-73826565-C-G.
Other names: c.11588C>G, p.Ser3863Cys (NM_015120.4); short protein forms S3862C, S3863C.
Identifiers: ClinVar variation 3857349 (VCV003857349.1).